The following is an entry in ClinVar:

ClinVar aggregate classification (germline): Likely pathogenic (1 of 4 stars; one submission).

Submission:

Labcorp Genetics (formerly Invitae), Labcorp
Classification: Likely pathogenic. Last evaluated: 2023-06-28. Review status: criteria provided, single submitter. Criteria: Invitae Variant Classification Sherloc (09022015). Collection method: clinical testing. Allele origin: germline.
Comment: In summary, the currently available evidence indicates that the variant is pathogenic, but additional data are needed to prove that conclusively. Therefore, this variant has been classified as Likely Pathogenic. This sequence change affects a donor splice site in intron 13 of the ACAD9 gene. It is expected to disrupt RNA splicing. Variants that disrupt the donor or acceptor splice site typically lead to a loss of protein function (PMID: 16199547), and loss-of-function variants in ACAD9 are known to be pathogenic (PMID: 25721401). This variant is not present in population databases (gnomAD no frequency). This variant has not been reported in the literature in individuals affected with ACAD9-related conditions. Algorithms developed to predict the effect of sequence changes on RNA splicing suggest that this variant may disrupt the consensus splice site.

Literature cited by the submitters: PubMed 16199547; PubMed 25721401.

NM_014049.5(ACAD9):c.1358+1G>T

Gene: ACAD9 (acyl-CoA dehydrogenase family member 9; plus strand). Cytogenetic location: 3q21.3.
Variant type: single nucleotide variant.
Coding change: c.1358+1G>T on transcript NM_014049.5 (MANE Select); the canonical splice donor site of the intron after coding-DNA position 1358, G replaced by T.
Molecular consequence: splice donor variant.
Genome position (GRCh38, 1-based): chr3:128,908,265, G>T. VCF-style: chr3-128908265-G-T. GRCh37 (hg19) VCF-style: chr3-128627108-G-T.
Other names: c.989+1G>T (NM_001410805.1).
Identifiers: ClinVar variation 2732309 (VCV002732309.3), dbSNP rs1432669401, ClinGen allele CA354438130.